The following is an entry in ClinVar:

NC_000007.13:g.(92123944_92126026)_(92126092_92129017)del

Gene: PEX1 (peroxisomal biogenesis factor 1; minus strand). Cytogenetic location: 7q21.2.
Variant type: Deletion.
Identifiers: ClinVar variation 2581274 (VCV002581274.1).

ClinVar aggregate classification (germline): Pathogenic (1 of 4 stars; one submission).

Conditions:
Peroxisome biogenesis disorder. Identifiers: Orphanet 79189, MedGen C1832200, MONDO:0019234. Disease mechanism: loss of function.

Submission:

Women's Health and Genetics/Laboratory Corporation of America, LabCorp
Classification: Pathogenic for Peroxisome biogenesis disorder. Last evaluated: 2023-08-21. Review status: criteria provided, single submitter. Criteria: LabCorp Variant Classification Summary - May 2015. Collection method: clinical testing. Allele origin: germline.
Comment: Variant summary: The variant identified by MLPA or other technology involves the deletion of exon 17 in the PEX1 gene. A presumed nomenclature of c.(2718+1_2719-1)_(2783+1_2784-1)del has been designated for the purposes of this classification. It is expected to result in a frameshift in the PEX1 gene, a known mechanism of disease. The variant was absent in 21692 control chromosomes in the gnomAD database, structural variants dataset. To our knowledge, no occurrence of c.(2718+1_2719-1)_(2783+1_2784-1)del in individuals affected with Zellweger Syndrome and no experimental evidence demonstrating its impact on protein function have been reported. No submitters have cited clinical-significance assessments for this variant to ClinVar after 2014. Based on the evidence outlined above, the variant was classified as pathogenic.